The following is an entry in ClinVar:

NM_005228.5(EGFR):c.1900G>A (p.Glu634Lys)

Gene: EGFR (epidermal growth factor receptor; plus strand). Cytogenetic location: 7p11.2.
Variant type: single nucleotide variant.
Coding change: c.1900G>A on transcript NM_005228.5 (MANE Select); coding-DNA position 1900, G replaced by A.
Protein change: p.Glu634Lys; replaces glutamic acid 634 with lysine.
Molecular consequence: missense variant.
Genome position (GRCh38, 1-based): chr7:55,171,194, G>A. VCF-style: chr7-55171194-G-A. GRCh37 (hg19) VCF-style: chr7-55238887-G-A.
Other names: c.1765G>A, p.Glu589Lys (NM_001346897.2, NM_001346899.2); c.1900G>A, p.Glu634Lys (NM_001346898.2); c.1741G>A, p.Glu581Lys (NM_001346900.2); c.1099G>A, p.Glu367Lys (NM_001346941.2); short protein forms E589K, E581K, E367K, E634K.
Identifiers: ClinVar variation 850344 (VCV000850344.11), dbSNP rs765068810, ClinGen allele CA4265858.

ClinVar aggregate classification (germline): Conflicting classifications of pathogenicity. Review status: criteria provided, conflicting classifications (1 of 4 stars). 4 submissions from 4 submitters: Uncertain significance (3); Likely benign (1). Last evaluated 2024-10-17.

Conditions:
Inflammatory skin and bowel disease, neonatal, 2 (NNCIS). Identifiers: Orphanet 294023, MedGen C4015130, MONDO:0014481, OMIM 616069.
Lung cancer. Also called: Lung cancer, somatic; Malignant tumor of lung. Identifiers: MedGen C0242379, MONDO:0008903, OMIM 211980.
Hereditary cancer-predisposing syndrome. Also called: Tumor predisposition; Neoplastic Syndromes, Hereditary; Hereditary neoplastic syndrome; Hereditary Cancer Syndrome. Identifiers: Orphanet 140162, MedGen C0027672, MeSH D009386, MONDO:0015356.
EGFR-related lung cancer (EGFR). Identifiers: MedGen CN130014.

Allele frequency attached by ClinVar (database versions not stated): gnomAD exomes below 0.00001 and 0.00002; ExAC 0.00002; TOPMed 0.00003; gnomAD 0.00004.
gnomAD v4.1: 13 of 1,614,096 alleles (0.00081%); highest among the groups gnomAD compares: African/African-American, 0.012%; no homozygotes.

Submissions (4):

Ambry Genetics
Classification: Likely benign for Hereditary cancer-predisposing syndrome. Last evaluated: 2024-10-17. Review status: criteria provided, single submitter. Criteria: Ambry Variant Classification Scheme 2023. Collection method: clinical testing. Allele origin: germline.

Fulgent Genetics
Classification: Uncertain significance for Lung cancer; Inflammatory skin and bowel disease, neonatal, 2. Last evaluated: 2024-01-24. Review status: criteria provided, single submitter. Criteria: ACMG Guidelines, 2015. Collection method: clinical testing. Allele origin: germline.

Labcorp Genetics (formerly Invitae), Labcorp
Classification: Uncertain significance for EGFR-related lung cancer. Last evaluated: 2023-09-18. Review status: criteria provided, single submitter. Criteria: Invitae Variant Classification Sherloc (09022015). Collection method: clinical testing. Allele origin: germline.
Comment: In summary, the available evidence is currently insufficient to determine the role of this variant in disease. Therefore, it has been classified as a Variant of Uncertain Significance. Advanced modeling of protein sequence and biophysical properties (such as structural, functional, and spatial information, amino acid conservation, physicochemical variation, residue mobility, and thermodynamic stability) performed at Invitae indicates that this missense variant is not expected to disrupt EGFR protein function. ClinVar contains an entry for this variant (Variation ID: 850344). This variant has not been reported in the literature in individuals affected with EGFR-related conditions. This variant is present in population databases (rs765068810, gnomAD 0.02%). This sequence change replaces glutamic acid, which is acidic and polar, with lysine, which is basic and polar, at codon 634 of the EGFR protein (p.Glu634Lys).

Genetic Services Laboratory, University of Chicago
Classification: Uncertain significance. Last evaluated: 2021-07-19. Review status: criteria provided, single submitter. Criteria: ACMG Guidelines, 2015. Collection method: clinical testing. Allele origin: germline. Affected: no.
Comment: DNA sequence analysis of the EGFR gene demonstrated a sequence change, c.1900G>A, in exon 16 that results in an amino acid change, p.Glu634Lys. This sequence change does not appear to have been previously described in individuals with EGFR-related disorders. This sequence change has been described in the gnomAD database in the African/African American subpopulation with a low frequency of 0.020% (dbSNP rs765068810). The p.Glu634Lys change affects a poorly conserved amino acid residue located in a domain of the EGFR protein that is known to be functional. The p.Glu634Lys substitution appears to be benign using several in-silico pathogenicity prediction tools (SIFT, PolyPhen2, Align GVGD, REVEL). Due to the lack of functional studies, the clinical significance of the p.Glu634Lys change remains unknown at this time.